The following is an entry in ClinVar:

NM_198586.3(NHLRC1):c.307G>T (p.Ala103Ser)

Gene: NHLRC1 (NHL repeat containing E3 ubiquitin protein ligase 1; minus strand). Cytogenetic location: 6p22.3.
Variant type: single nucleotide variant.
Coding change: c.307G>T on transcript NM_198586.3 (MANE Select); coding-DNA position 307, G replaced by T.
Protein change: p.Ala103Ser; replaces alanine 103 with serine.
Molecular consequence: missense variant.
Genome position (GRCh38, 1-based): chr6:18,122,300, C>A on the plus strand (G>T on the coding strand, the complement: NHLRC1 is on the minus strand). VCF-style: chr6-18122300-C-A. GRCh37 (hg19) VCF-style: chr6-18122531-C-A.
Other names: short protein forms A103S.
Identifiers: ClinVar variation 462939 (VCV000462939.8), dbSNP rs568131096, ClinGen allele CA134960060.

ClinVar aggregate classification (germline): Uncertain significance. Review status: criteria provided, multiple submitters, no conflicts (2 of 4 stars). 3 submissions from 3 submitters: Uncertain significance (3). Last evaluated 2024-04-01.

Conditions:
Inborn genetic diseases. Identifiers: MedGen C0950123, MeSH D030342.
Lafora disease. Also called: Epilepsy progressive myoclonic 2; Progressive Myoclonus Epilepsy, Lafora Type. Identifiers: Orphanet 501, MedGen C0751783, MONDO:0009697.

Allele frequency attached by ClinVar (database versions not stated): gnomAD exomes below 0.00001; TOPMed below 0.00001; gnomAD 0.00001; 1000 Genomes Project 30x 0.00016; 1000 Genomes Project 0.00020.

Submissions (3):

Ambry Genetics
Classification: Uncertain significance for Inborn genetic diseases. Last evaluated: 2024-04-01. Review status: criteria provided, single submitter. Criteria: Ambry Variant Classification Scheme 2023. Collection method: clinical testing. Allele origin: germline.

Blueprint Genetics
Classification: Uncertain significance. Last evaluated: 2022-06-01. Review status: criteria provided, single submitter. Criteria: ACMG Guidelines, 2015. Collection method: clinical testing. Allele origin: germline.

Labcorp Genetics (formerly Invitae), Labcorp
Classification: Uncertain significance for Lafora disease. Last evaluated: 2021-12-25. Review status: criteria provided, single submitter. Criteria: Invitae Variant Classification Sherloc (09022015). Collection method: clinical testing. Allele origin: germline.
Comment: This sequence change replaces alanine, which is neutral and non-polar, with serine, which is neutral and polar, at codon 103 of the NHLRC1 protein (p.Ala103Ser). The frequency data for this variant in the population databases is considered unreliable, as metrics indicate poor data quality at this position in the gnomAD database. This variant has not been reported in the literature in individuals affected with NHLRC1-related conditions. ClinVar contains an entry for this variant (Variation ID: 462939). Algorithms developed to predict the effect of missense changes on protein structure and function are either unavailable or do not agree on the potential impact of this missense change (SIFT: "Deleterious"; PolyPhen-2: "Benign"; Align-GVGD: "Class C0"). In summary, the available evidence is currently insufficient to determine the role of this variant in disease. Therefore, it has been classified as a Variant of Uncertain Significance.